The following is an entry in ClinVar:

NM_170606.3(KMT2C):c.7999_8010del (p.Pro2667_Thr2670del)

Gene: KMT2C (lysine methyltransferase 2C; minus strand). Cytogenetic location: 7q36.1.
Variant type: Deletion.
Coding change: c.7999_8010del on transcript NM_170606.3 (MANE Select); coding-DNA positions 7999 to 8010, 12 bases deleted (CCGTCTGAAACA).
Protein change: p.Pro2667_Thr2670del.
Molecular consequence: inframe deletion.
Genome position (GRCh38, 1-based): chr7:152,177,443-152,177,454, TGTTTCAGACGG deleted on the plus strand (CCGTCTGAAACA on the coding strand, the reverse complement: KMT2C is on the minus strand); deleting any 12 consecutive bases within chr7:152,177,443-152,177,455 gives the same sequence; the c. name uses the placement nearest the transcript's 3' end. VCF-style (leftmost placement, unchanged base first): chr7-152177442-TTGTTTCAGACGG-T. GRCh37 (hg19) VCF-style: chr7-151874527-TTGTTTCAGACGG-T.
Identifiers: ClinVar variation 1326539 (VCV001326539.2), dbSNP rs2129114819, ClinGen allele CA2573052844.
Genomic context (GRCh38, chr7:152,177,442, plus strand): 5'-AATCAAGTTTTTCCTCTAGACCATCAGAAGGCTGGGTGGTTATCTGTAAATTATCAGACG[TTGTTTCAGACGG>T]TACAGATGTTGACAAAGGAGCTTCTGAAAATTCACCACCTAGTGGATGGTTCAGAGTCCT-3'

ClinVar aggregate classification (germline): Uncertain significance (1 of 4 stars; one submission).

Submission:

GeneDx
Classification: Uncertain significance. Last evaluated: 2021-05-26. Review status: criteria provided, single submitter. Criteria: GeneDx Variant Classification Process June 2021. Collection method: clinical testing. Allele origin: germline. Affected: yes.
Comment: Not observed in large population cohorts (Database of Genomic Variants; McDonald et al., 2014); In-frame deletion of 4 amino acids in a non-repeat region; In silico analysis supports a deleterious effect on protein structure/function; Has not been previously published as pathogenic or benign to our knowledge